The following is an entry in ClinVar:

NM_001003722.2(GLE1):c.673C>T (p.Gln225Ter)

Gene: GLE1 (GLE1 RNA export mediator; plus strand). Cytogenetic location: 9q34.11.
Variant type: single nucleotide variant.
Coding change: c.673C>T on transcript NM_001003722.2 (MANE Select); coding-DNA position 673, C replaced by T.
Protein change: p.Gln225Ter; replaces glutamine 225 with a stop codon.
Molecular consequence: nonsense.
Genome position (GRCh38, 1-based): chr9:128,523,622, C>T. VCF-style: chr9-128523622-C-T. GRCh37 (hg19) VCF-style: chr9-131285901-C-T.
Other names: c.673C>T, p.Gln225Ter (NM_001411013.1, NM_001499.2); short protein forms Q225*.
Identifiers: ClinVar variation 2838092 (VCV002838092.3), dbSNP rs780020849, ClinGen allele CA5263675.

ClinVar aggregate classification (germline): Pathogenic (1 of 4 stars; one submission).

Allele frequency attached by ClinVar (database versions not stated): ExAC 0.00002.
gnomAD v4.1: 10 of 1,613,996 alleles (0.00062%); highest among the groups gnomAD compares: Non-Finnish European, 0.00085%; no homozygotes.

Submission:

Labcorp Genetics (formerly Invitae), Labcorp
Classification: Pathogenic. Last evaluated: 2024-02-04. Review status: criteria provided, single submitter. Criteria: Invitae Variant Classification Sherloc (09022015). Collection method: clinical testing. Allele origin: germline.
Comment: This sequence change creates a premature translational stop signal (p.Gln225*) in the GLE1 gene. It is expected to result in an absent or disrupted protein product. Loss-of-function variants in GLE1 are known to be pathogenic (PMID: 18204449, 24243016, 27684565). This variant is present in population databases (rs780020849, gnomAD 0.004%). This variant has not been reported in the literature in individuals affected with GLE1-related conditions. For these reasons, this variant has been classified as Pathogenic.

Literature cited by the submitters: PubMed 18204449; PubMed 24243016; PubMed 27684565.